The following is an entry in ClinVar:

ClinVar aggregate classification (germline): Uncertain significance (1 of 4 stars; one submission).

Submission:

Labcorp Genetics (formerly Invitae), Labcorp
Classification: Uncertain significance. Last evaluated: 2025-04-22. Review status: criteria provided, single submitter. Criteria: Invitae Variant Classification Sherloc (09022015). Collection method: clinical testing. Allele origin: germline.
Comment: This sequence change replaces proline, which is neutral and non-polar, with leucine, which is neutral and non-polar, at codon 1651 of the COL27A1 protein (p.Pro1651Leu). This variant is not present in population databases (gnomAD no frequency). This variant has not been reported in the literature in individuals affected with COL27A1-related conditions. Invitae Evidence Modeling of protein sequence and biophysical properties (such as structural, functional, and spatial information, amino acid conservation, physicochemical variation, residue mobility, and thermodynamic stability) indicates that this missense variant is not expected to disrupt COL27A1 protein function with a negative predictive value of 80%. In summary, the available evidence is currently insufficient to determine the role of this variant in disease. Therefore, it has been classified as a Variant of Uncertain Significance.

NM_032888.4(COL27A1):c.4952C>T (p.Pro1651Leu)

Gene: COL27A1 (collagen type XXVII alpha 1 chain; plus strand). Cytogenetic location: 9q32.
Variant type: single nucleotide variant.
Coding change: c.4952C>T on transcript NM_032888.4 (MANE Select); coding-DNA position 4952, C replaced by T.
Protein change: p.Pro1651Leu; replaces proline 1651 with leucine.
Molecular consequence: missense variant.
Genome position (GRCh38, 1-based): chr9:114,306,533, C>T. VCF-style: chr9-114306533-C-T. GRCh37 (hg19) VCF-style: chr9-117068813-C-T.
Other names: short protein forms P1651L.
Identifiers: ClinVar variation 4691335 (VCV004691335.1).